The following is an entry in ClinVar:

NM_004655.4(AXIN2):c.1831G>T (p.Glu611Ter)

Gene: AXIN2 (axin 2; minus strand). Cytogenetic location: 17q24.1.
Variant type: single nucleotide variant.
Coding change: c.1831G>T on transcript NM_004655.4 (MANE Select); coding-DNA position 1831, G replaced by T.
Protein change: p.Glu611Ter; replaces glutamic acid 611 with a stop codon.
Molecular consequence: nonsense. On other transcripts: intron variant (1).
Genome position (GRCh38, 1-based): chr17:65,536,945, C>A on the plus strand (G>T on the coding strand, the complement: AXIN2 is on the minus strand). VCF-style: chr17-65536945-C-A. GRCh37 (hg19) VCF-style: chr17-63533063-C-A.
Other names: c.1712+379G>T (NM_001363813.1); short protein forms E611*.
Identifiers: ClinVar variation 935268 (VCV000935268.12), dbSNP rs2043933208, ClinGen allele CA400676543.

ClinVar aggregate classification (germline): Conflicting classifications of pathogenicity. Review status: criteria provided, conflicting classifications (1 of 4 stars). 2 submissions from 2 submitters: Pathogenic (1); Uncertain significance (1). Last evaluated 2021-06-23.

Conditions:
Hereditary cancer-predisposing syndrome. Also called: Tumor predisposition; Hereditary neoplastic syndrome; Hereditary Cancer Syndrome; Neoplastic Syndromes, Hereditary. Identifiers: Orphanet 140162, MedGen C0027672, MeSH D009386, MONDO:0015356.
Oligodontia-cancer predisposition syndrome. Also called: TOOTH AGENESIS-COLORECTAL CANCER SYNDROME. Identifiers: Orphanet 300576, MedGen C1837750, MONDO:0012075, OMIM 608615. Disease mechanism: loss of function.

Submissions (2):

Labcorp Genetics (formerly Invitae), Labcorp
Classification: Uncertain significance for Oligodontia-cancer predisposition syndrome. Last evaluated: 2021-06-23. Review status: criteria provided, single submitter. Criteria: Invitae Variant Classification Sherloc (09022015). Collection method: clinical testing. Allele origin: germline.
Comment: This sequence change creates a premature translational stop signal (p.Glu611*) in the AXIN2 gene. However, it is currently unclear if variants that occur in this region of the gene cause disease. This variant is not present in population databases (ExAC no frequency). This variant has not been reported in the literature in individuals with AXIN2-related conditions. ClinVar contains an entry for this variant (Variation ID: 935268). Algorithms developed to predict the effect of sequence changes on RNA splicing suggest that this variant may create or strengthen a splice site, but this prediction has not been confirmed by published transcriptional studies. In summary, the available evidence is currently insufficient to determine the role of this variant in disease. Therefore, it has been classified as a Variant of Uncertain Significance. Tissue-specific transcript isoforms that skip in-frame exon 7 (also known as exon 6 in the literature) have been described (PMID: 15735151), questioning the clinical significance of deleting this exon through alternative splicing and/or whole exon deletion. Although loss-of-function variants in AXIN2 are known to be pathogenic (PMID: 21416598, 15042511), the clinical significance of truncating (nonsense, frameshift) variants within exon 7 is uncertain.

Ambry Genetics
Classification: Pathogenic for Hereditary cancer-predisposing syndrome. Last evaluated: 2020-09-30. Review status: criteria provided, single submitter. Criteria: Ambry Variant Classification Scheme 2023. Collection method: clinical testing. Allele origin: germline.
Comment: The p.E611* pathogenic mutation (also known as c.1831G>T), located in coding exon 6 of the AXIN2 gene, results from a G to T substitution at nucleotide position 1831. This changes the amino acid from a glutamic acid to a stop codon within coding exon 6. This alteration is expected to result in loss of function by premature protein truncation or nonsense-mediated mRNA decay. As such, this alteration is interpreted as a disease-causing mutation.

Literature cited by the submitters: PubMed 15735151 (cited by Labcorp Genetics (formerly Invitae), Labcorp); PubMed 21416598 (cited by Labcorp Genetics (formerly Invitae), Labcorp); PubMed 15042511 (cited by Labcorp Genetics (formerly Invitae), Labcorp).